The following is an entry in ClinVar:

ClinVar aggregate classification (germline): Uncertain significance. Review status: criteria provided, multiple submitters, no conflicts (2 of 4 stars). 2 submissions from 2 submitters: Uncertain significance (2). Last evaluated 2024-06-10.

Conditions:
Muscular dystrophy-dystroglycanopathy (congenital with brain and eye anomalies), type a, 11 (MDDGA11). Also called: Muscular dystrophy-dystroglycanopathy (congenital with brain and eye anomalies, type A, 11; WALKER-WARBURG SYNDROME OR MUSCLE-EYE-BRAIN DISEASE, B3GALNT2-RELATED; Congenital muscular dystrophy-dystroglycanopathy with brain and eye anomalies, type A11. Identifiers: Orphanet 588, Orphanet 899, MedGen C3554638, MONDO:0014071, OMIM 615181.

Allele frequency attached by ClinVar (database versions not stated): gnomAD 0.00002; TOPMed 0.00002.
gnomAD v4.1: 43 of 1,611,878 alleles (0.0027%); highest among the groups gnomAD compares: East Asian, 0.0045%; no homozygotes.

Submissions (2):

Revvity Omics, Revvity
Classification: Uncertain significance for Muscular dystrophy-dystroglycanopathy (congenital with brain and eye anomalies), type a, 11. Last evaluated: 2024-06-10. Review status: criteria provided, single submitter. Criteria: ACMG Guidelines, 2015. Collection method: clinical testing. Allele origin: germline.

Labcorp Genetics (formerly Invitae), Labcorp
Classification: Uncertain significance for Muscular dystrophy-dystroglycanopathy (congenital with brain and eye anomalies), type a, 11. Last evaluated: 2023-04-03. Review status: criteria provided, single submitter. Criteria: Invitae Variant Classification Sherloc (09022015). Collection method: clinical testing. Allele origin: germline.
Comment: In summary, the available evidence is currently insufficient to determine the role of this variant in disease. Therefore, it has been classified as a Variant of Uncertain Significance. Advanced modeling of protein sequence and biophysical properties (such as structural, functional, and spatial information, amino acid conservation, physicochemical variation, residue mobility, and thermodynamic stability) has been performed at Invitae for this missense variant, however the output from this modeling did not meet the statistical confidence thresholds required to predict the impact of this variant on B3GALNT2 protein function. This variant has not been reported in the literature in individuals affected with B3GALNT2-related conditions. This variant is present in population databases (rs750718801, gnomAD 0.02%). This sequence change replaces arginine, which is basic and polar, with cysteine, which is neutral and slightly polar, at codon 61 of the B3GALNT2 protein (p.Arg61Cys).

NM_152490.5(B3GALNT2):c.181C>T (p.Arg61Cys)

Gene: B3GALNT2 (beta-1,3-N-acetylgalactosaminyltransferase 2; minus strand). Cytogenetic location: 1q42.3.
Variant type: single nucleotide variant.
Coding change: c.181C>T on transcript NM_152490.5 (MANE Select); coding-DNA position 181, C replaced by T.
Protein change: p.Arg61Cys; replaces arginine 61 with cysteine.
Molecular consequence: missense variant.
Genome position (GRCh38, 1-based): chr1:235,494,760, G>A on the plus strand (C>T on the coding strand, the complement: B3GALNT2 is on the minus strand). VCF-style: chr1-235494760-G-A. GRCh37 (hg19) VCF-style: chr1-235658070-G-A.
Other names: c.304C>T, p.Arg102Cys (NM_001277155.3); short protein forms R102C, R61C.
Identifiers: ClinVar variation 2760356 (VCV002760356.2), dbSNP rs750718801, ClinGen allele CA1464989.
Genomic context (GRCh38, chr1:235,494,760, plus strand): 5'-GCTGTAGCAAATGTCTCATCCAGGTGCTTCTTATCACGTTTCGAAGTTCATGGTTATTGC[G>A]AGCTGACAACACGCCAACTACCACATCATAGTGAGTAGATTTCCACTGAGGAAATAAGGC-3'
Protein context (NP_689703.1, residues 51-71): YDVVVGVLSA[Arg61Cys]NNHELRNVIR